The following is an entry in ClinVar:

ClinVar aggregate classification (germline): Conflicting classifications of pathogenicity. Review status: criteria provided, conflicting classifications (1 of 4 stars). 4 submissions from 4 submitters: Uncertain significance (3); Likely benign (1). Last evaluated 2026-09-21.

Conditions:
ALPK3-related disorder. Also called: ALPK3-related condition.
Cardiovascular phenotype. Identifiers: MedGen CN230736.

Allele frequency attached by ClinVar (database versions not stated): gnomAD 0.00009 and 0.00008; gnomAD exomes 0.00001; TOPMed 0.00008.
gnomAD v4.1: 19 of 1,218,216 alleles (0.0016%); highest among the groups gnomAD compares: African/African-American, 0.025%; no homozygotes.

Submissions (4):

Molecular Diagnostic Laboratory for Inherited Cardiovascular Disease, Montreal Heart Institute
Classification: Likely benign. Last evaluated: 2026-09-21. Review status: criteria provided, single submitter. Criteria: ACMG Guidelines, 2015. Collection method: clinical testing. Allele origin: germline. Affected: no.

PreventionGenetics, part of Exact Sciences
Classification: Uncertain significance for ALPK3-related condition. Last evaluated: 2026-03-05. Review status: criteria provided, single submitter. Criteria: ACMG Guidelines, 2015. Collection method: clinical testing. Allele origin: germline.
Comment: The ALPK3 c.544G>C variant is predicted to result in the amino acid substitution p.Gly182Arg. To our knowledge, this variant has not been reported in the literature. This variant is reported in 0.035% of alleles in individuals of African descent in gnomAD. At this time, the clinical significance of this variant is uncertain due to the absence of conclusive functional and genetic evidence.

Labcorp Genetics (formerly Invitae), Labcorp
Classification: Uncertain significance. Last evaluated: 2025-10-18. Review status: criteria provided, single submitter. Criteria: Invitae Variant Classification Sherloc (09022015). Collection method: clinical testing. Allele origin: germline.
Comment: This sequence change replaces glycine, which is neutral and non-polar, with arginine, which is basic and polar, at codon 182 of the ALPK3 protein (p.Gly182Arg). This variant is present in population databases (no rsID available, gnomAD 0.04%). This variant has not been reported in the literature in individuals affected with ALPK3-related conditions. ClinVar contains an entry for this variant (Variation ID: 1414237). An algorithm developed to predict the effect of missense changes on protein structure and function (PolyPhen-2) suggests that this variant is likely to be tolerated. In summary, the available evidence is currently insufficient to determine the role of this variant in disease. Therefore, it has been classified as a Variant of Uncertain Significance.

Ambry Genetics
Classification: Uncertain significance for Cardiovascular phenotype. Last evaluated: 2023-04-29. Review status: criteria provided, single submitter. Criteria: Ambry Variant Classification Scheme 2023. Collection method: clinical testing. Allele origin: germline.
Comment: The p.G182R variant (also known as c.544G>C), located in coding exon 1 of the ALPK3 gene, results from a G to C substitution at nucleotide position 544. The glycine at codon 182 is replaced by arginine, an amino acid with dissimilar properties. This amino acid position is highly conserved in available vertebrate species. In addition, this alteration is predicted to be tolerated by in silico analysis.Since supporting evidence is limited at this time, the clinical significance of this alteration remains unclear.

NM_020778.5(ALPK3):c.-63G>C

Gene: ALPK3 (alpha kinase 3; plus strand). Cytogenetic location: 15q25.3.
Variant type: single nucleotide variant.
Coding change: c.-63G>C on transcript NM_020778.5 (MANE Select); 63 bases upstream of the start codon, G replaced by C.
Molecular consequence: 5 prime UTR variant.
Genome position (GRCh38, 1-based): chr15:84,817,390, G>C. VCF-style: chr15-84817390-G-C. GRCh37 (hg19) VCF-style: chr15-85360621-G-C.
Identifiers: ClinVar variation 1414237 (VCV001414237.10), dbSNP rs990569157, ClinGen allele CA273651107.